The following is an entry in ClinVar:

ClinVar aggregate classification (germline): Pathogenic/Likely pathogenic. Review status: criteria provided, multiple submitters, no conflicts (2 of 4 stars). 3 submissions from 3 submitters: Pathogenic (1); Likely pathogenic (1). 1 of the submissions does not count toward it. Last evaluated 2025-03-10.

Conditions:
Mucopolysaccharidosis type 6 (MPS6). Also called: N-ACETYLGALACTOSAMINE-4-SULFATASE DEFICIENCY; MPS VI; MPS 6; Maroteaux Lamy syndrome; ARSB DEFICIENCY; ARYLSULFATASE B DEFICIENCY. Identifiers: Orphanet 583, MedGen C0026709, MONDO:0009661, OMIM 253200.

Submissions (3):

Women's Health and Genetics/Laboratory Corporation of America, LabCorp
Classification: Pathogenic for Mucopolysaccharidosis type 6. Last evaluated: 2025-03-10. Review status: criteria provided, single submitter. Criteria: LabCorp Variant Classification Summary - May 2015. Collection method: clinical testing. Allele origin: germline.
Comment: Variant summary: ARSB c.944G>C (p.Arg315Pro) results in a non-conservative amino acid change located in the Sulfatase, N-terminal domain (IPR000917) of the encoded protein sequence. Five of five in-silico tools predict a damaging effect of the variant on protein function. The variant was absent in 251338 control chromosomes. c.944G>C has been reported in the literature in two homozygous individuals from one family affected with Mucopolysaccharidosis Type VI (Maroteaux-Lamy Syndrome) (Mathew_2015). These data indicate that the variant is likely to be associated with disease. A different variant affecting the same codon has been classified as pathogenic by our lab (c.944G>A, p.Arg315Gln), supporting the critical relevance of codon 315 to ARSB protein function. To our knowledge, no experimental evidence demonstrating an impact on protein function has been reported. The following publication have been ascertained in the context of this evaluation (PMID: 26937411). ClinVar contains an entry for this variant (Variation ID: 559829). Based on the evidence outlined above, the variant was classified as pathogenic.

Labcorp Genetics (formerly Invitae), Labcorp
Classification: Likely pathogenic for Mucopolysaccharidosis type 6. Last evaluated: 2023-03-18. Review status: criteria provided, single submitter. Criteria: Invitae Variant Classification Sherloc (09022015). Collection method: clinical testing. Allele origin: germline.
Comment: This sequence change replaces arginine, which is basic and polar, with proline, which is neutral and non-polar, at codon 315 of the ARSB protein (p.Arg315Pro). This variant is not present in population databases (gnomAD no frequency). This missense change has been observed in individual(s) with mucopolysaccharidosis type VI (PMID: 26937411). ClinVar contains an entry for this variant (Variation ID: 559829). Advanced modeling of protein sequence and biophysical properties (such as structural, functional, and spatial information, amino acid conservation, physicochemical variation, residue mobility, and thermodynamic stability) performed at Invitae indicates that this missense variant is expected to disrupt ARSB protein function. This variant disrupts the p.Arg315 amino acid residue in ARSB. Other variant(s) that disrupt this residue have been determined to be pathogenic (PMID: 10036316, 17161971, 17458871, 26937411). This suggests that this residue is clinically significant, and that variants that disrupt this residue are likely to be disease-causing. In summary, the currently available evidence indicates that the variant is pathogenic, but additional data are needed to prove that conclusively. Therefore, this variant has been classified as Likely Pathogenic.

Laboratory of Diagnosis and Therapy of Lysosomal Disorders, University of Padova
Classification: Uncertain significance for Mucopolysaccharidosis type 6. Last evaluated: 2018-01-01. Review status: flagged submission. Criteria: ACMG Guidelines, 2015. Collection method: curation. Allele origin: germline. Affected: yes. Not counted in ClinVar's aggregate classification.
Comment: Absent from GnomAD (PM2); Change at an amino acid residue where a different change is pathogenic (PM5); Multiple lines of computational evidence support a deleterious effect on the gene product (PP3)
ClinVar note: Reason: Outlier claim with insufficient supporting evidence

Literature cited by the submitters: PubMed 26937411 (cited by 3 submitters); PubMed 10036316 (cited by Labcorp Genetics (formerly Invitae), Labcorp); PubMed 17161971 (cited by Labcorp Genetics (formerly Invitae), Labcorp); PubMed 17458871 (cited by Labcorp Genetics (formerly Invitae), Labcorp); PubMed 30118150 (cited by Laboratory of Diagnosis and Therapy of Lysosomal Disorders, University of Padova).

NM_000046.5(ARSB):c.944G>C (p.Arg315Pro)

Gene: ARSB (arylsulfatase B; minus strand). Cytogenetic location: 5q14.1.
Variant type: single nucleotide variant.
Coding change: c.944G>C on transcript NM_000046.5 (MANE Select); coding-DNA position 944, G replaced by C.
Protein change: p.Arg315Pro; replaces arginine 315 with proline.
Molecular consequence: missense variant.
Genome position (GRCh38, 1-based): chr5:78,885,782, C>G on the plus strand (G>C on the coding strand, the complement: ARSB is on the minus strand). VCF-style: chr5-78885782-C-G. GRCh37 (hg19) VCF-style: chr5-78181605-C-G.
Other names: c.944G>C, p.Arg315Pro (NM_198709.3); short protein forms R315P.
Identifiers: ClinVar variation 559829 (VCV000559829.5), dbSNP rs727503809, ClinGen allele CA360343391.